The following is an entry in ClinVar:

ClinVar aggregate classification (germline): Uncertain significance. Review status: criteria provided, multiple submitters, no conflicts (2 of 4 stars). 6 submissions from 6 submitters: Uncertain significance (6). Last evaluated 2025-12-09.

Conditions:
Multiple endocrine neoplasia, type 2 (MEN2). Identifiers: Orphanet 653, MedGen C4048306, MONDO:0019003. Disease mechanism: gain of function.
Multiple endocrine neoplasia type 2A. Also called: MULTIPLE ENDOCRINE NEOPLASIA, TYPE IIA; PTC SYNDROME; SIPPLE SYNDROME; MEN 2A; MEN-2A syndrome; Pheochromocytoma and amyloid producing medullary thyroid carcinoma. Identifiers: Orphanet 247698, Orphanet 653, MedGen C0025268, MeSH D018813, MONDO:0008234, OMIM 171400.
Hereditary cancer-predisposing syndrome. Also called: Neoplastic Syndromes, Hereditary; Hereditary Cancer Syndrome; Tumor predisposition; Hereditary neoplastic syndrome. Identifiers: Orphanet 140162, MedGen C0027672, MeSH D009386, MONDO:0015356.
Pheochromocytoma. Also called: MAX-Related Hereditary Paraganglioma-Pheochromocytoma Syndrome. Identifiers: Orphanet 29072, MedGen C0031511, MONDO:0008233, OMIM 171300, HP:0002666.

Allele frequency attached by ClinVar (database versions not stated): gnomAD 0.00001; TOPMed 0.00002.

Submissions (6):

Labcorp Genetics (formerly Invitae), Labcorp
Classification: Uncertain significance for Multiple endocrine neoplasia, type 2. Last evaluated: 2025-12-09. Review status: criteria provided, single submitter. Criteria: Invitae Variant Classification Sherloc (09022015). Collection method: clinical testing. Allele origin: germline.
Comment: This sequence change replaces valine, which is neutral and non-polar, with leucine, which is neutral and non-polar, at codon 395 of the RET protein (p.Val395Leu). This variant is present in population databases (no rsID available, gnomAD 0.01%). This variant has not been reported in the literature in individuals affected with RET-related conditions. ClinVar contains an entry for this variant (Variation ID: 584746). An algorithm developed to predict the effect of missense changes on protein structure and function (PolyPhen-2) suggests that this variant is likely to be tolerated. In summary, the available evidence is currently insufficient to determine the role of this variant in disease. Therefore, it has been classified as a Variant of Uncertain Significance.

Ambry Genetics
Classification: Uncertain significance for Hereditary cancer-predisposing syndrome. Last evaluated: 2025-03-28. Review status: criteria provided, single submitter. Criteria: Ambry Variant Classification Scheme 2023. Collection method: clinical testing. Allele origin: germline.
Comment: The p.V395L variant (also known as c.1183G>C), located in coding exon 6 of the RET gene, results from a G to C substitution at nucleotide position 1183. The valine at codon 395 is replaced by leucine, an amino acid with highly similar properties. This amino acid position is highly conserved in available vertebrate species. In addition, the in silico prediction for this alteration is inconclusive. Since supporting evidence is limited at this time, the clinical significance of this alteration remains unclear.

All of Us Research Program, National Institutes of Health
Classification: Uncertain significance for Multiple endocrine neoplasia, type 2. Last evaluated: 2024-01-11. Review status: criteria provided, single submitter. Criteria: ACMG Guidelines, 2015. Collection method: clinical testing. Allele origin: germline. Inheritance: Autosomal dominant inheritance. Observed: 1 variant allele, 1 heterozygote.
Comment: This study involves interpretation of variants in research participants for the purpose of population health screening. Participant phenotype was not available at the time of variant classification. Additional details can be found in publication PMID: 35346344, PMCID: PMC8962531

Division of Human Genetics, National Health Laboratory Service/University of the Witwatersrand
Classification: Uncertain significance for Pheochromocytoma. Last evaluated: 2023-07-01. Review status: criteria provided, single submitter. Criteria: ACMG Guidelines, 2015. Collection method: research. Allele origin: germline. Affected: yes.

GeneDx
Classification: Uncertain significance. Last evaluated: 2022-12-13. Review status: criteria provided, single submitter. Criteria: GeneDx Variant Classification Process June 2021. Collection method: clinical testing. Allele origin: germline. Affected: yes.
Comment: Not observed at significant frequency in large population cohorts (gnomAD); In silico analysis supports that this missense variant does not alter protein structure/function; Has not been previously published as pathogenic or benign to our knowledge; This variant is associated with the following publications: (PMID: 14633923)

Mendelics
Classification: Uncertain significance for Multiple endocrine neoplasia, type 2a. Last evaluated: 2018-07-02. Review status: criteria provided, single submitter. Criteria: Mendelics Assertion Criteria 2017. Collection method: clinical testing. Allele origin: unknown.

NM_020975.6(RET):c.1183G>C (p.Val395Leu)

Gene: RET (ret proto-oncogene; plus strand). Cytogenetic location: 10q11.21.
Variant type: single nucleotide variant.
Coding change: c.1183G>C on transcript NM_020975.6 (MANE Select); coding-DNA position 1183, G replaced by C.
Protein change: p.Val395Leu; replaces valine 395 with leucine.
Molecular consequence: missense variant.
Genome position (GRCh38, 1-based): chr10:43,109,150, G>C. VCF-style: chr10-43109150-G-C. GRCh37 (hg19) VCF-style: chr10-43604598-G-C.
Other names: c.1183G>C, p.Val395Leu (NM_000323.2, NM_001406743.1, NM_001406744.1 and 6 more transcripts); c.421G>C, p.Val141Leu (NM_001355216.2); c.1054G>C, p.Val352Leu (NM_001406761.1, NM_001406762.1, NM_001406764.1 and 1 more transcripts); c.895G>C, p.Val299Leu (NM_001406766.1, NM_001406767.1, NM_001406770.1); c.745G>C, p.Val249Leu (NM_001406771.1, NM_001406773.1); c.457G>C, p.Val153Leu (NM_001406775.1, NM_001406776.1, NM_001406777.1 and 1 more transcripts); c.193G>C, p.Val65Leu (NM_001406784.1); short protein forms V395L, V141L, V352L, V65L, V299L, V153L, V249L.
Identifiers: ClinVar variation 584746 (VCV000584746.18), dbSNP rs1452469572, ClinGen allele CA376547702.